The following is an entry in ClinVar:

NM_000257.4(MYH7):c.4204G>A (p.Glu1402Lys)

Gene: MYH7 (myosin heavy chain 7; minus strand). Cytogenetic location: 14q11.2.
Variant type: single nucleotide variant.
Coding change: c.4204G>A on transcript NM_000257.4 (MANE Select); coding-DNA position 4204, G replaced by A.
Protein change: p.Glu1402Lys; replaces glutamic acid 1402 with lysine.
Molecular consequence: missense variant.
Genome position (GRCh38, 1-based): chr14:23,417,652, C>T on the plus strand (G>A on the coding strand, the complement: MYH7 is on the minus strand). VCF-style: chr14-23417652-C-T. GRCh37 (hg19) VCF-style: chr14-23886861-C-T.
Other names: short protein forms E1402K.
Identifiers: ClinVar variation 179655 (VCV000179655.6), dbSNP rs727505025, ClinGen allele CA014639.

ClinVar aggregate classification (germline): Uncertain significance. Review status: criteria provided, multiple submitters, no conflicts (2 of 4 stars). 2 submissions from 2 submitters: Uncertain significance (2). Last evaluated 2024-08-24.

Conditions:
Hypertrophic cardiomyopathy. Also called: HYPERTROPHIC MYOCARDIOPATHY. Identifiers: Orphanet 217569, MedGen C0007194, MeSH D002312, MONDO:0005045, HP:0001639.

Allele frequency attached by ClinVar (database versions not stated): gnomAD exomes below 0.00001.
gnomAD v4.1: 2 of 1,613,072 alleles (0.00012%); highest among the groups gnomAD compares: Non-Finnish European, 0.00017%; no homozygotes.

Submissions (2):

Labcorp Genetics (formerly Invitae), Labcorp
Classification: Uncertain significance for Hypertrophic cardiomyopathy. Last evaluated: 2024-08-24. Review status: criteria provided, single submitter. Criteria: Invitae Variant Classification Sherloc (09022015). Collection method: clinical testing. Allele origin: germline.
Comment: This sequence change replaces glutamic acid, which is acidic and polar, with lysine, which is basic and polar, at codon 1402 of the MYH7 protein (p.Glu1402Lys). This variant is present in population databases (rs727505025, gnomAD 0.0009%). This variant has not been reported in the literature in individuals affected with MYH7-related conditions. ClinVar contains an entry for this variant (Variation ID: 179655). Invitae Evidence Modeling of protein sequence and biophysical properties (such as structural, functional, and spatial information, amino acid conservation, physicochemical variation, residue mobility, and thermodynamic stability) indicates that this missense variant is expected to disrupt MYH7 protein function with a positive predictive value of 95%. In summary, the available evidence is currently insufficient to determine the role of this variant in disease. Therefore, it has been classified as a Variant of Uncertain Significance.

Laboratory for Molecular Medicine, Mass General Brigham Personalized Medicine
Classification: Uncertain significance. Last evaluated: 2014-04-04. Review status: criteria provided, single submitter. Criteria: LMM Criteria. Collection method: clinical testing. Allele origin: germline. Observed: 1 variant allele.
Comment: Variant classified as Uncertain Significance - Favor Pathogenic. The Glu1402Lys variant in MYH7 has not been previously reported in individuals with cardiomyopa thy or in large population studies. Glutamic Acid at position 1402 is highly con served in evolution and the change to Lysine was predicted to be pathogenic usin g a computational tool clinically validated by our laboratory. This tool's patho genic prediction is estimated to be correct 94% of the time (Jordan 2011). Altho ugh this data supports that the Glu1402Lys variant may be pathogenic, additional studies are needed to fully assess its clinical significance.